The following is an entry in ClinVar:

NM_170784.3(MKKS):c.882A>C (p.Gln294His)

Gene: MKKS (MKKS centrosomal shuttling protein; minus strand). Cytogenetic location: 20p12.2.
Variant type: single nucleotide variant.
Coding change: c.882A>C on transcript NM_170784.3 (MANE Select); coding-DNA position 882, A replaced by C.
Protein change: p.Gln294His; replaces glutamine 294 with histidine.
Molecular consequence: missense variant.
Genome position (GRCh38, 1-based): chr20:10,412,633, T>G on the plus strand (A>C on the coding strand, the complement: MKKS is on the minus strand). VCF-style: chr20-10412633-T-G. GRCh37 (hg19) VCF-style: chr20-10393281-T-G.
Other names: c.882A>C; p.Gln294His; c.882A>C, p.Gln294His (NM_018848.3); short protein forms Q294H.
Identifiers: ClinVar variation 4056313 (VCV004056313.1).

ClinVar aggregate classification (germline): Uncertain significance (0 of 4 stars; one submission).

Conditions:
Bardet-Biedl syndrome 6 (BBS6). Identifiers: Orphanet 110, MedGen C1858054, MONDO:0011523, OMIM 605231.

Submission:

Cellular and Molecular Research Center, Qom University of Medical Sciences
Classification: Uncertain significance for Bardet-Biedl syndrome 6. Last evaluated: 2025-04-01. Review status: no assertion criteria provided. Collection method: research. Allele origin: inherited. Inheritance: Autosomal recessive inheritance. Affected: yes. Observed: 3 homozygotes. Clinical features observed: Retinal degeneration (HP:0000546), Obesity (HP:0001513), Postaxial hand polydactyly (HP:0001162), Postaxial foot polydactyly (HP:0001830), Blindness (HP:0000618), Nystagmus (HP:0000639), Visual impairment (HP:0000505).
Comment: The results of prediction tools vary; Franklin classifies it as VUS, Mutation taster Classifies it as disease causing, Polyphen 2 classifies it as probably damaging, Provean classifies it as deleterious, SIFT classifies it as Damaging, and Varsome as pathogenic supporting! I checked all pedigree members and the variant is segregating in the pedigree. The variant is novel and is not reported in Exac,1000G, ClinVar, gnomAD, Iranome.